The following is an entry in ClinVar:

ClinVar aggregate classification (germline): Conflicting classifications of pathogenicity. Review status: criteria provided, conflicting classifications (1 of 4 stars). 9 submissions from 9 submitters: Pathogenic (1); Likely pathogenic (5); Uncertain significance (3). Last evaluated 2026-03-05.

Conditions:
Alport syndrome. Also called: Hemorrhagic familial nephritis; Hemorrhagic hereditary nephritis; Congenital hereditary hematuria. Identifiers: Orphanet 63, MedGen C1567741, MONDO:0018965.
Autosomal dominant Alport syndrome (ATS3A). Also called: ALPORT SYNDROME 3A, AUTOSOMAL DOMINANT; Alport syndrome dominant type; Renal failure and sensorineural hearing loss. Identifiers: Orphanet 63, Orphanet 88918, MedGen C5882663, MONDO:0007086, OMIM 104200.
Autosomal recessive Alport syndrome (ATS2). Also called: ALPORT SYNDROME 2, AUTOSOMAL RECESSIVE; COL4A3-Related Nephropathy; Alport syndrome type 2; COL4A4 Alport Syndrome and Thin Basement Membrane Nephropathy. Identifiers: Orphanet 63, Orphanet 88919, MedGen C4746745, MONDO:0008762, OMIM 203780.
Hematuria, benign familial, 1 (BFH1). Also called: THIN MEMBRANE NEPHROPATHY. Identifiers: MedGen CN376803, MONDO:0007709, OMIM 141200.

gnomAD v4.1: 4 of 1,521,010 alleles (0.00026%); highest among the groups gnomAD compares: South Asian, 0.0013%; no homozygotes.

Submissions (9):

Mendelics
Classification: Pathogenic for Autosomal dominant Alport syndrome. Last evaluated: 2026-03-05. Review status: criteria provided, single submitter. Criteria: ACMG Guidelines, 2015. Collection method: clinical testing. Allele origin: unknown.
Comment: Likely pathogenic/Pathogenic according to ACMG criteria.

Myriad Genetics, Inc.
Classification: Likely pathogenic for Alport syndrome. Last evaluated: 2025-10-07. Review status: criteria provided, single submitter. Criteria: Myriad Autosomal Dominant, Autosomal Recessive and X-Linked Classification Criteria (2023). Collection method: clinical testing. Allele origin: unknown.
Comment: NM_000092.4(COL4A4):c.4334-23A>G is an intronic variant classified as likely pathogenic in the context of Alport syndrome, COL4A4-related. c.4334-23A>G has been observed in cases with relevant disease (PMID: 9792860, 33532864, 33838161). Relevant functional assessments of this variant are not available in the literature. c.4334-23A>G has not been observed in referenced population frequency databases. In summary, NM_000092.4(COL4A4):c.4334-23A>G is an intronic variant that has been observed more frequently in cases with the relevant disease than in healthy populations. Please note: this variant was assessed in the context of healthy population screening.

Institute of Human Genetics, University of Leipzig Medical Center
Classification: Uncertain significance for Autosomal recessive Alport syndrome. Last evaluated: 2025-09-23. Review status: criteria provided, single submitter. Criteria: ACMG Guidelines, 2015. Collection method: clinical testing. Allele origin: unknown. Inheritance: Autosomal dominant inheritance. Affected: yes.
Comment: Criteria applied: PM3,PM2_SUP,PP3

Natera, Inc.
Classification: Likely pathogenic for Alport syndrome. Last evaluated: 2025-08-22. Review status: criteria provided, single submitter. Criteria: Natera Variant Classification Schema (03/2026). Collection method: clinical testing. Allele origin: germline.
Comment: The c.4334-23A>G variant in COL4A4 is an intronic variant located outside the canonical splice sites. This variant is rare in the general population with a frequency below the threshold expected for the associated phenotype(s). This variant has been observed in one or more individuals affected with the associated recessive disease, as either homozygous or compound heterozygous with a second variant (PMID: 9792860, 33532864). Additionally, this variant has been observed to segregate in affected family members (PMID: 33838161). Given the available evidence, this variant is classified as Likely Pathogenic.

Victorian Clinical Genetics Services, Murdoch Childrens Research Institute
Classification: Uncertain significance for Alport syndrome. Last evaluated: 2025-05-01. Review status: criteria provided, single submitter. Criteria: ACMG Guidelines, 2015. Collection method: clinical testing. Allele origin: germline. Affected: yes.
Comment: This variant is classified as VUS-3A. Evidence in support of pathogenic classification: Variant is present in gnomAD <0.01 (v4: 4 heterozygote(s), 0 homozygote(s)); This variant has moderate previous evidence of pathogenicity in unrelated individuals. This variant has been classified once as likely pathogenic, and once as a VUS in ClinVar by clinical laboratories. Personal correspondence described this variant in a heterozygous state, in two related individuals with microscopic haematuria. This variant has also been reported in at least two unrelated individuals with autosomal recessive Alport syndrome (PMIDs: 33532864, 9792860). Evidence in support of benign classification: Abnormal splicing is not predicted and nucleotide is poorly conserved. Additional information: Non-coding variant without known or predicted effect; This variant is heterozygous; This gene is associated with both recessive and dominant disease. Alport syndrome typically has biallelic inheritance, although rare cases of monoallelic inheritance have been reported (PMID: 28704582). Thin basement membrane nephropathy (TBMN) and focal segmental glomerulosclerosis (FSGS) are associated with autosomal dominant inheritance (OMIM, PMIDs: 16467446, 17942953); No published functional evidence has been identified for this variant; No comparable non-coding variants have previous evidence for pathogenicity; Loss of function is a known mechanism of disease for this gene and is associated with Alport syndrome. Dominant negative is a suspected mechanism of disease (PMIDs: 12028435, 24046192).

Fulgent Genetics
Classification: Likely pathogenic for Hematuria, benign familial, 1; Autosomal recessive Alport syndrome. Last evaluated: 2024-01-23. Review status: criteria provided, single submitter. Criteria: ACMG Guidelines, 2015. Collection method: clinical testing. Allele origin: germline.

GeneDx
Classification: Uncertain significance. Last evaluated: 2023-09-29. Review status: criteria provided, single submitter. Criteria: GeneDx Variant Classification Process June 2021. Collection method: clinical testing. Allele origin: germline. Affected: yes.
Comment: Not observed at significant frequency in large population cohorts (gnomAD); In silico analysis suggests this variant may impact gene splicing. In the absence of RNA/functional studies, the actual effect of this sequence change is unknown.; This variant is associated with the following publications: (PMID: 33532864, 9792860)

Labcorp Genetics (formerly Invitae), Labcorp
Classification: Likely pathogenic. Last evaluated: 2021-09-14. Review status: criteria provided, single submitter. Criteria: Invitae Variant Classification Sherloc (09022015). Collection method: clinical testing. Allele origin: germline.
Comment: This sequence change falls in intron 45 of the COL4A4 gene. It does not directly change the encoded amino acid sequence of the COL4A4 protein. In summary, the currently available evidence indicates that the variant is pathogenic, but additional data are needed to prove that conclusively. Therefore, this variant has been classified as Likely Pathogenic. Algorithms developed to predict the effect of sequence changes on RNA splicing suggest that this variant may create or strengthen a splice site, but this prediction has not been confirmed by published transcriptional studies. This variant has been observed in individual(s) autosomal recessive Alport syndrome (PMID: 9792860, 33532864). In at least one individual the data is consistent with the variant being in trans (on the opposite chromosome) from a pathogenic variant. This variant is also known as 4542-23A>G. ClinVar contains an entry for this variant (Variation ID: 974377). The frequency data for this variant in the population databases is considered unreliable, as metrics indicate insufficient coverage at this position in the ExAC database.

Molecular Biology Laboratory, Fundació Puigvert
Classification: Likely pathogenic for Autosomal recessive Alport syndrome. Last evaluated: 2020-02-01. Review status: criteria provided, single submitter. Criteria: ACMG Guidelines, 2015. Collection method: research. Allele origin: paternal. Affected: yes. Study: KidneyPanel_2020.

Literature cited by the submitters: PubMed 33532864 (cited by 5 submitters); PubMed 33838161 (cited by Myriad Genetics, Inc. and Natera, Inc.); PubMed 9792860 (cited by 4 submitters); PubMed 24046192 (cited by Victorian Clinical Genetics Services, Murdoch Childrens Research Institute); PubMed 16467446 (cited by Victorian Clinical Genetics Services, Murdoch Childrens Research Institute); PubMed 12028435 (cited by Victorian Clinical Genetics Services, Murdoch Childrens Research Institute); PubMed 28704582 (cited by Victorian Clinical Genetics Services, Murdoch Childrens Research Institute); PubMed 17942953 (cited by Victorian Clinical Genetics Services, Murdoch Childrens Research Institute).

NM_000092.5(COL4A4):c.4334-23A>G

Gene: COL4A4 (collagen type IV alpha 4 chain; minus strand). Cytogenetic location: 2q36.3.
Variant type: single nucleotide variant.
Coding change: c.4334-23A>G on transcript NM_000092.5 (MANE Select); 23 bases into the intron before coding-DNA position 4334, A replaced by G.
Molecular consequence: intron variant.
Genome position (GRCh38, 1-based): chr2:227,010,524, T>C on the plus strand (A>G on the coding strand, the complement: COL4A4 is on the minus strand). VCF-style: chr2-227010524-T-C. GRCh37 (hg19) VCF-style: chr2-227875240-T-C.
Other names: c.4334-23A>G (NM_000092.4).
Identifiers: ClinVar variation 974377 (VCV000974377.13), dbSNP rs766501515, ClinGen allele CA1139657741.
Genomic context (GRCh38, chr2:227,010,524, plus strand): 5'-CCCTTTGGGCCCAGGATCCCCAATGGGACCAGGAGGCCCTGGAGGAACAAAGGAAAAAAA[T>C]TGAAGGCAGGTTAGGGGGTTTGGTTTAACAAATATGTTAAGCACCTCTGTTCTGGCACTG-3'